The following is an entry in ClinVar:

NM_201384.3(PLEC):c.131A>G (p.Gln44Arg)

Gene: PLEC (plectin; minus strand). Cytogenetic location: 8q24.3.
Variant type: single nucleotide variant.
Coding change: c.131A>G on transcript NM_201384.3 (MANE Select); coding-DNA position 131, A replaced by G.
Protein change: p.Gln44Arg; replaces glutamine 44 with arginine.
Molecular consequence: missense variant.
Genome position (GRCh38, 1-based): chr8:143,938,674, T>C on the plus strand (A>G on the coding strand, the complement: PLEC is on the minus strand). VCF-style: chr8-143938674-T-C. GRCh37 (hg19) VCF-style: chr8-145012842-T-C.
Other names: c.212A>G, p.Gln71Arg (NM_000445.5, NM_001410941.1); c.89A>G, p.Gln30Arg (NM_201378.4); c.65A>G, p.Gln22Arg (NM_201379.3); c.542A>G, p.Gln181Arg (NM_201380.4); c.35A>G, p.Gln12Arg (NM_201381.3); c.131A>G, p.Gln44Arg (NM_201382.4); c.143A>G, p.Gln48Arg (NM_201383.3); short protein forms Q12R, Q44R, Q48R, Q71R, Q181R, Q22R, Q30R.
Identifiers: ClinVar variation 2935035 (VCV002935035.3), dbSNP rs2539318270, ClinGen allele CA372593140.

ClinVar aggregate classification (germline): Uncertain significance (1 of 4 stars; one submission).

Conditions:
Epidermolysis bullosa simplex with nail dystrophy (EBS5D). Identifiers: MedGen C4225309, MONDO:0014661, OMIM 616487.
Epidermolysis bullosa simplex 5C, with pyloric atresia (EBS5C). Also called: PLEC-Related Epidermolysis Bullosa with Pyloric Atresia; Epidermolysis bullosa simplex with pyloric atresia; PLEC1-Related Epidermolysis Bullosa with Pyloric Atresia. Identifiers: Orphanet 158684, MedGen C2677349, MONDO:0012807, OMIM 612138.
Autosomal recessive limb-girdle muscular dystrophy type 2Q (LGMDR17). Also called: MUSCULAR DYSTROPHY, LIMB-GIRDLE, AUTOSOMAL RECESSIVE 17. Identifiers: Orphanet 254361, MedGen C3150989, MONDO:0013390, OMIM 613723.
Epidermolysis bullosa simplex, Ogna type (EBS5A). Also called: Pidermolysis bullosa simplex 5A, Ogna type; EPIDERMOLYSIS BULLOSA SIMPLEX 5A, OGNA TYPE. Identifiers: Orphanet 79401, MedGen C0432317, MONDO:0007555, OMIM 131950.
Epidermolysis bullosa simplex 5B, with muscular dystrophy (EBS5B). Also called: EPIDERMOLYSIS BULLOSA SIMPLEX AND LIMB-GIRDLE MUSCULAR DYSTROPHY; Epidermolysis bullosa simplex with muscular dystrophy. Identifiers: Orphanet 257, MedGen C2931072, MONDO:0009181, OMIM 226670.

Submission:

Labcorp Genetics (formerly Invitae), Labcorp
Classification: Uncertain significance for Autosomal recessive limb-girdle muscular dystrophy type 2Q; Epidermolysis bullosa simplex, Ogna type; Epidermolysis bullosa simplex with nail dystrophy; Epidermolysis bullosa simplex 5C, with pyloric atresia; Epidermolysis bullosa simplex 5B, with muscular dystrophy. Last evaluated: 2023-04-24. Review status: criteria provided, single submitter. Criteria: Invitae Variant Classification Sherloc (09022015). Collection method: clinical testing. Allele origin: germline.
Comment: In summary, the available evidence is currently insufficient to determine the role of this variant in disease. Therefore, it has been classified as a Variant of Uncertain Significance. Experimental studies and prediction algorithms are not available or were not evaluated, and the functional significance of this variant is currently unknown. This variant has not been reported in the literature in individuals affected with PLEC-related conditions. This variant is not present in population databases (gnomAD no frequency). This sequence change replaces glutamine, which is neutral and polar, with arginine, which is basic and polar, at codon 71 of the PLEC protein (p.Gln71Arg).